The following is an entry in ClinVar:

NM_004168.4(SDHA):c.985C>G (p.Arg329Gly)

Gene: SDHA (succinate dehydrogenase complex flavoprotein subunit A; plus strand). Cytogenetic location: 5p15.33.
Variant type: single nucleotide variant.
Coding change: c.985C>G on transcript NM_004168.4 (MANE Select); coding-DNA position 985, C replaced by G.
Protein change: p.Arg329Gly; replaces arginine 329 with glycine.
Molecular consequence: missense variant.
Genome position (GRCh38, 1-based): chr5:233,566, C>G. VCF-style: chr5-233566-C-G. GRCh37 (hg19) VCF-style: chr5-233681-C-G.
Other names: c.841C>G, p.Arg281Gly (NM_001294332.2); c.985C>G, p.Arg329Gly (NM_001330758.2); short protein forms R329G, R281G.
Identifiers: ClinVar variation 472422 (VCV000472422.11), dbSNP rs771328239, ClinGen allele CA3173054.

ClinVar aggregate classification (germline): Uncertain significance. Review status: criteria provided, multiple submitters, no conflicts (2 of 4 stars). 2 submissions from 2 submitters: Uncertain significance (2). Last evaluated 2025-12-03.

Conditions:
Mitochondrial complex II deficiency, nuclear type 1. Also called: SUCCINATE CoQ REDUCTASE DEFICIENCY. Identifiers: Orphanet 3208, MedGen C5700310, MONDO:0100294, OMIM 252011.
Pheochromocytoma/paraganglioma syndrome 5. Also called: Paragangliomas 5; SDHA-Related Hereditary Paraganglioma-Pheochromocytoma Syndrome. Identifiers: Orphanet 29072, MedGen C3279992, MONDO:0013602, OMIM 614165.
Hereditary cancer-predisposing syndrome. Also called: Neoplastic Syndromes, Hereditary; Hereditary Cancer Syndrome; Hereditary neoplastic syndrome; Tumor predisposition. Identifiers: Orphanet 140162, MedGen C0027672, MeSH D009386, MONDO:0015356.

Allele frequency attached by ClinVar (database versions not stated): TOPMed below 0.00001.
gnomAD v4.1: 9 of 1,614,148 alleles (0.00056%); highest among the groups gnomAD compares: Non-Finnish European, 0.00068%; no homozygotes.

Submissions (2):

Labcorp Genetics (formerly Invitae), Labcorp
Classification: Uncertain significance for Pheochromocytoma/paraganglioma syndrome 5; Mitochondrial complex II deficiency, nuclear type 1. Last evaluated: 2025-12-03. Review status: criteria provided, single submitter. Criteria: Invitae Variant Classification Sherloc (09022015). Collection method: clinical testing. Allele origin: germline.
Comment: This sequence change replaces arginine, which is basic and polar, with glycine, which is neutral and non-polar, at codon 329 of the SDHA protein (p.Arg329Gly). This variant is present in population databases (rs771328239, gnomAD 0.004%). This variant has not been reported in the literature in individuals affected with SDHA-related conditions. ClinVar contains an entry for this variant (Variation ID: 472422). Invitae Evidence Modeling of protein sequence and biophysical properties (such as structural, functional, and spatial information, amino acid conservation, physicochemical variation, residue mobility, and thermodynamic stability) indicates that this missense variant is not expected to disrupt SDHA protein function with a negative predictive value of 95%. In summary, the available evidence is currently insufficient to determine the role of this variant in disease. Therefore, it has been classified as a Variant of Uncertain Significance.

Ambry Genetics
Classification: Uncertain significance for Hereditary cancer-predisposing syndrome. Last evaluated: 2023-10-30. Review status: criteria provided, single submitter. Criteria: Ambry Variant Classification Scheme 2023. Collection method: clinical testing. Allele origin: germline.
Comment: The p.R329G variant (also known as c.985C>G), located in coding exon 8 of the SDHA gene, results from a C to G substitution at nucleotide position 985. The arginine at codon 329 is replaced by glycine, an amino acid with dissimilar properties. This amino acid position is highly conserved in available vertebrate species. In addition, the in silico prediction for this alteration is inconclusive. Since supporting evidence is limited at this time, the clinical significance of this alteration remains unclear.